The following is an entry in ClinVar:

ClinVar aggregate classification (germline): Uncertain significance (1 of 4 stars; one submission).

Conditions:
BAP1-related tumor predisposition syndrome (TPDS1). Also called: Tumor susceptibility linked to germline BAP1 mutations; TUMOR PREDISPOSITION SYNDROME 1; BAP1 tumor predisposition syndrome; COMMON Syndrome. Identifiers: Orphanet 289539, MedGen C3280492, MONDO:0013692, OMIM 614327.

Submission:

Labcorp Genetics (formerly Invitae), Labcorp
Classification: Uncertain significance for BAP1-related tumor predisposition syndrome. Last evaluated: 2021-08-15. Review status: criteria provided, single submitter. Criteria: Invitae Variant Classification Sherloc (09022015). Collection method: clinical testing. Allele origin: germline.
Comment: In summary, the available evidence is currently insufficient to determine the role of this variant in disease. Therefore, it has been classified as a Variant of Uncertain Significance. Algorithms developed to predict the effect of missense changes on protein structure and function (SIFT, PolyPhen-2, Align-GVGD) all suggest that this variant is likely to be disruptive. This variant has not been reported in the literature in individuals affected with BAP1-related conditions. This variant is not present in population databases (ExAC no frequency). This sequence change replaces phenylalanine with cysteine at codon 81 of the BAP1 protein (p.Phe81Cys). The phenylalanine residue is highly conserved and there is a large physicochemical difference between phenylalanine and cysteine.

NM_004656.4(BAP1):c.242T>G (p.Phe81Cys)

Gene: BAP1 (BRCA1 associated deubiquitinase 1; minus strand). Cytogenetic location: 3p21.1.
Variant type: single nucleotide variant.
Coding change: c.242T>G on transcript NM_004656.4 (MANE Select); coding-DNA position 242, T replaced by G.
Protein change: p.Phe81Cys; replaces phenylalanine 81 with cysteine.
Molecular consequence: missense variant.
Genome position (GRCh38, 1-based): chr3:52,408,487, A>C on the plus strand (T>G on the coding strand, the complement: BAP1 is on the minus strand). VCF-style: chr3-52408487-A-C. GRCh37 (hg19) VCF-style: chr3-52442503-A-C.
Other names: short protein forms F81C.
Identifiers: ClinVar variation 1433276 (VCV001433276.6), dbSNP rs2153228286, ClinGen allele CA353112914.
Genomic context (GRCh38, chr3:52,408,487, plus strand): 5'-ACATGGCAGCATCCCACCCTCCAAACAAAGCACAGAGTCCAGCAGACCTGGTGGGCAAAG[A>C]ACATGTTATTCACAATATCATCATCAATCACGGACGTATCATCCACCAAGGTAGAGACCT-3'
Protein context (NP_004647.1, residues 71-91): VIDDDIVNNM[Phe81Cys]FAHQLIPNSC